The following is an entry in ClinVar:

NM_000152.5(GAA):c.2242del (p.Glu748fs)

Gene: GAA (alpha glucosidase; plus strand). Cytogenetic location: 17q25.3.
Variant type: Deletion.
Coding change: c.2242del on transcript NM_000152.5 (MANE Select); coding-DNA position 2242, one base deleted (G; older notation c.2242delG).
Protein change: p.Glu748fs; shifts the reading frame from glutamic acid 748.
Molecular consequence: frameshift variant.
Genome position (GRCh38, 1-based): chr17:80,117,020, G deleted; the last of 6 consecutive G bases (chr17:80,117,015-80,117,020); deleting any one gives the same sequence. VCF-style (leftmost placement, unchanged base first): chr17-80117014-TG-T. GRCh37 (hg19) VCF-style: chr17-78090813-TG-T.
Other names: NM_000152.5(GAA):c.2242del; p.Glu748fs; c.2242del (LRG_673t1, NM_000152.4); c.2242del, p.Glu748fs (NM_001079803.3, NM_001079804.3); short protein forms E748fs.
Identifiers: ClinVar variation 370639 (VCV000370639.12), dbSNP rs777275355, ClinGen allele CA16041904.

ClinVar aggregate classification (germline): Pathogenic. Review status: reviewed by expert panel (3 of 4 stars). 6 submissions from 6 submitters: Pathogenic (1). 5 of the submissions do not count toward it. Last evaluated 2024-01-15.

Conditions:
Glycogen storage disease, type II (IOPD). Also called: GLYCOGENOSIS, GENERALIZED, CARDIAC FORM; Glucosidase acid-1,4-alpha deficiency; Pompe Disease; POMPE DISEASE, INFANTILE-ONSET; GSD II; Glycogen storage disease type 2. Identifiers: Orphanet 365, MedGen C0017921, MONDO:0009290, OMIM 232300.

Submissions (6):

ClinGen Lysosomal Storage Disorder Variant Curation Expert Panel
Classification: Pathogenic for Glycogen storage disease, type II. Last evaluated: 2024-01-15. Review status: reviewed by expert panel. Criteria: clingen_lsd_acmg_specifications_v2-1. Collection method: curation. Allele origin: germline. Inheritance: Autosomal recessive inheritance.
Comment: The NM_000152.5:c.2242del (p.Glu748ArgfsTer16) variant in GAA is a frameshift variant predicted to cause a premature stop codon in biologically-relevant-exon 16 out of 20, leading to nonsense mediated decay in a gene in which loss-of-function is an established disease mechanism (PVS1). This individual has documented values showing deficiency GAA activity in dried blood spots (PMID: 35071497) (PP4_Moderate). The allelic data from this individual will be used in the classification of p.Pro545Leu and is not included here to avoid circular logic. This variant is absent in gnomAD v2.1.1. (PM2_Supporting). There is a ClinVar entry for this variant (Variation ID 370639). This variant was initially classified by the ClinGen Lysosomal Diseases VCEP on Sept 07, 2021 as likely pathogenic. Recuration, on Jan 15, 2023, led to reclassification as pathogenic due to the availability of new case-level data (PMID: 35071497). GAA-specific ACMG/AMP criteria met, as specified by the ClinGen Lysosomal Diseases Expert Panel (Specifications Version 2.0): PVS1, PP4_Moderate, PM2_Supporting. (Classification approved by the ClinGen Lysosomal Diseases Variant Curation Expert Panel on Jan 15, 2024).

Genomenon, Inc
Classification: Pathogenic for Glycogen storage disease, type II. Last evaluated: 2026-07-01. Review status: criteria provided, single submitter. Criteria: Genomenon Sequence Variant Interpretation Standards - Updated. Collection method: curation. Allele origin: germline. Affected: yes. Not counted in ClinVar's aggregate classification.
Comment: GAA p.Glu748ArgfsTer16 (c.2242del) is a frameshift variant that is predicted to introduce a premature termination codon and result in a truncated or absent protein product. This variant has been observed in at least one proband with a GAA-related disorder (PMID:35071497). It is absent or not present at a significant frequency in gnomAD. In conclusion, we classify GAA p.Glu748ArgfsTer16 (c.2242del) as a pathogenic variant.

Natera, Inc.
Classification: Pathogenic for Glycogen storage disease type II. Last evaluated: 2024-06-03. Review status: criteria provided, single submitter. Criteria: Natera Variant Classification Schema (03/2026). Collection method: clinical testing. Allele origin: germline. Not counted in ClinVar's aggregate classification.
Comment: The c.2242del variant in GAA is a frameshift variant predicted to shift the reading frame beginning at codon 748 and leads to a stop codon 16 codons downstream. This variant is expected to result in nonsense mediated decay, truncation, or a dysfunctional protein product. This variant is rare in the general population with a frequency below the threshold expected for the associated phenotype(s). This variant has been observed in one or more individuals affected with the associated recessive disease, as either homozygous or compound heterozygous with a second variant (PMID: 35071497). Given the available evidence, this variant is classified as Pathogenic.

Fulgent Genetics
Classification: Pathogenic for Glycogen storage disease, type II. Last evaluated: 2024-05-05. Review status: criteria provided, single submitter. Criteria: ACMG Guidelines, 2015. Collection method: clinical testing. Allele origin: germline. Not counted in ClinVar's aggregate classification.

Baylor Genetics
Classification: Pathogenic for Glycogen storage disease, type II. Last evaluated: 2024-03-20. Review status: criteria provided, single submitter. Criteria: ACMG Guidelines, 2015. Collection method: clinical testing. Allele origin: unknown. Not counted in ClinVar's aggregate classification.

Counsyl
Classification: Likely pathogenic for Glycogen storage disease, type II. Last evaluated: 2016-03-14. Review status: no assertion criteria provided. Collection method: clinical testing. Allele origin: unknown. Not counted in ClinVar's aggregate classification.

Literature cited by the submitters: PubMed 35071497 (cited by Genomenon, Inc and Natera, Inc.).